The following is an entry in ClinVar:

NM_017780.4(CHD7):c.2377-1G>A

Gene: CHD7 (chromodomain helicase DNA binding protein 7; plus strand). Cytogenetic location: 8q12.2.
Variant type: single nucleotide variant.
Coding change: c.2377-1G>A on transcript NM_017780.4 (MANE Select); the canonical splice acceptor site of the intron before coding-DNA position 2377, G replaced by A.
Molecular consequence: splice acceptor variant. On other transcripts: intron variant (1).
Genome position (GRCh38, 1-based): chr8:60,801,527, G>A. VCF-style: chr8-60801527-G-A. GRCh37 (hg19) VCF-style: chr8-61714086-G-A.
Other names: c.1716+20477G>A (NM_001316690.1).
Identifiers: ClinVar variation 1473535 (VCV001473535.9), dbSNP rs2150711063, ClinGen allele CA371301205.
Genomic context (GRCh38, chr8:60,801,527, plus strand): 5'-CTCTTATAGCTTAGGATGAGATGTTTTCTATTTGGATTGATGCACATGCCTTTTTTTTTA[G>A]GAATCTGTTGATGCAGAAGGCCCAGTGGTAGAAAAAATTATGAGCAGTCGTTCAGTAAAA-3'

ClinVar aggregate classification (germline): Likely pathogenic. Review status: criteria provided, multiple submitters, no conflicts (2 of 4 stars). 2 submissions from 2 submitters: Likely pathogenic (2). Last evaluated 2023-04-21.

Conditions:
CHARGE syndrome (CHARGE). Also called: Coloboma, heart anomaly, choanal atresia, retardation, genital and ear anomalies; CHARGE association; Hall-Hittner syndrome; Hittner Hirsch Kreh syndrome; CHARGE ASSOCIATION--COLOBOMA, HEART ANOMALY, CHOANAL ATRESIA, RETARDATION, GENITAL AND EAR ANOMALIES. Identifiers: Orphanet 138, MedGen C0265354, MONDO:0008965.

Submissions (2):

Human Genetics Bochum, Ruhr University Bochum
Classification: Likely pathogenic for CHD7-related CHARGE syndrome. Last evaluated: 2023-04-21. Review status: criteria provided, single submitter. Criteria: ACMG Guidelines, 2015. Collection method: clinical testing. Allele origin: germline. Affected: yes.
Comment: ACMG criteria used to clasify this variant: PVS1, PM2_SUP

Labcorp Genetics (formerly Invitae), Labcorp
Classification: Likely pathogenic for CHARGE syndrome. Last evaluated: 2021-01-14. Review status: criteria provided, single submitter. Criteria: Invitae Variant Classification Sherloc (09022015). Collection method: clinical testing. Allele origin: germline.
Comment: This variant is not present in population databases (ExAC no frequency). This sequence change affects an acceptor splice site in intron 5 of the CHD7 gene. It is expected to disrupt RNA splicing. Variants that disrupt the donor or acceptor splice site typically lead to a loss of protein function (PMID: 16199547), and loss-of-function variants in CHD7 are known to be pathogenic (PMID: 22461308, 25077900). This variant has not been reported in the literature in individuals with CHD7-related conditions. Algorithms developed to predict the effect of sequence changes on RNA splicing suggest that this variant may disrupt the consensus splice site, but this prediction has not been confirmed by published transcriptional studies. In summary, the currently available evidence indicates that the variant is pathogenic, but additional data are needed to prove that conclusively. Therefore, this variant has been classified as Likely Pathogenic.

Literature cited by the submitters: PubMed 16199547 (cited by Labcorp Genetics (formerly Invitae), Labcorp); PubMed 22461308 (cited by Labcorp Genetics (formerly Invitae), Labcorp); PubMed 25077900 (cited by Labcorp Genetics (formerly Invitae), Labcorp).